The following is an entry in ClinVar:

NM_002645.4(PIK3C2A):c.1371G>T (p.Trp457Cys)

Gene: PIK3C2A (phosphatidylinositol-4-phosphate 3-kinase catalytic subunit type 2 alpha; minus strand). Cytogenetic location: 11p15.1.
Variant type: single nucleotide variant.
Coding change: c.1371G>T on transcript NM_002645.4 (MANE Select); coding-DNA position 1371, G replaced by T.
Protein change: p.Trp457Cys; replaces tryptophan 457 with cysteine.
Molecular consequence: missense variant.
Genome position (GRCh38, 1-based): chr11:17,148,744, C>A on the plus strand (G>T on the coding strand, the complement: PIK3C2A is on the minus strand). VCF-style: chr11-17148744-C-A. GRCh37 (hg19) VCF-style: chr11-17170291-C-A.
Other names: c.1371G>T (NM_002645.3); c.1371G>T, p.Trp457Cys (NM_001321378.2, NM_001386870.1); c.231G>T, p.Trp77Cys (NM_001321380.2); short protein forms W457C, W77C.
Identifiers: ClinVar variation 3626776 (VCV003626776.3).

ClinVar aggregate classification (germline): Uncertain significance. Review status: criteria provided, multiple submitters, no conflicts (2 of 4 stars). 2 submissions from 2 submitters: Uncertain significance (2). Last evaluated 2024-12-02.

gnomAD v4.1: 78 of 1,611,862 alleles (0.0048%); highest among the groups gnomAD compares: Non-Finnish European, 0.0062%; no homozygotes.

Submissions (2):

GeneDx
Classification: Uncertain significance. Last evaluated: 2024-12-02. Review status: criteria provided, single submitter. Criteria: GeneDx Variant Classification Process June 2021. Collection method: clinical testing. Allele origin: germline. Affected: yes.
Comment: In silico analysis supports that this missense variant has a deleterious effect on protein structure/function; Has not been previously published as pathogenic or benign to our knowledge

Labcorp Genetics (formerly Invitae), Labcorp
Classification: Uncertain significance. Last evaluated: 2024-08-28. Review status: criteria provided, single submitter. Criteria: Invitae Variant Classification Sherloc (09022015). Collection method: clinical testing. Allele origin: germline.
Comment: This sequence change replaces tryptophan, which is neutral and slightly polar, with cysteine, which is neutral and slightly polar, at codon 457 of the PIK3C2A protein (p.Trp457Cys). This variant is present in population databases (rs780672615, gnomAD 0.008%). This variant has not been reported in the literature in individuals affected with PIK3C2A-related conditions. An algorithm developed to predict the effect of missense changes on protein structure and function (PolyPhen-2) suggests that this variant is likely to be disruptive. In summary, the available evidence is currently insufficient to determine the role of this variant in disease. Therefore, it has been classified as a Variant of Uncertain Significance.